The following is an entry in ClinVar:

NM_145200.5(CABP4):c.239C>T (p.Pro80Leu)

Gene: CABP4 (calcium binding protein 4; plus strand). Cytogenetic location: 11q13.2.
Variant type: single nucleotide variant.
Coding change: c.239C>T on transcript NM_145200.5 (MANE Select); coding-DNA position 239, C replaced by T.
Protein change: p.Pro80Leu; replaces proline 80 with leucine.
Molecular consequence: missense variant. On other transcripts: 5 prime UTR variant (2), non-coding transcript variant (1), intron variant (1).
Genome position (GRCh38, 1-based): chr11:67,455,662, C>T. VCF-style: chr11-67455662-C-T. GRCh37 (hg19) VCF-style: chr11-67223133-C-T.
Other names: c.-145C>T (NM_001300895.3); c.-159C>T (NM_001379183.1); c.-112-47C>T (NM_001300896.3); short protein forms P80L.
Identifiers: ClinVar variation 972666 (VCV000972666.10), dbSNP rs771931640, ClinGen allele CA224143203.

ClinVar aggregate classification (germline): Uncertain significance. Review status: criteria provided, multiple submitters, no conflicts (2 of 4 stars). 2 submissions from 2 submitters: Uncertain significance (2). Last evaluated 2026-08-14.

Conditions:
CABP4-related disorder. Also called: CABP4-related condition.

Allele frequency attached by ClinVar (database versions not stated): gnomAD 0.00001; TOPMed 0.00001.

Submissions (2):

PreventionGenetics, part of Exact Sciences
Classification: Uncertain significance for CABP4-related condition. Last evaluated: 2026-08-14. Review status: criteria provided, single submitter. Criteria: ACMG Guidelines, 2015. Collection method: clinical testing. Allele origin: germline.
Comment: The CABP4 c.239C>T variant is predicted to result in the amino acid substitution p.Pro80Leu. To our knowledge, this variant has not been reported in the literature. This variant is reported in 0.0033% of alleles in individuals of South Asian descent in gnomAD. At this time, the clinical significance of this variant is uncertain due to the absence of conclusive functional and genetic evidence.

Labcorp Genetics (formerly Invitae), Labcorp
Classification: Uncertain significance. Last evaluated: 2022-02-10. Review status: criteria provided, single submitter. Criteria: Invitae Variant Classification Sherloc (09022015). Collection method: clinical testing. Allele origin: germline.
Comment: Algorithms developed to predict the effect of missense changes on protein structure and function (SIFT, PolyPhen-2, Align-GVGD) all suggest that this variant is likely to be tolerated. In summary, the available evidence is currently insufficient to determine the role of this variant in disease. Therefore, it has been classified as a Variant of Uncertain Significance. ClinVar contains an entry for this variant (Variation ID: 972666). This variant has not been reported in the literature in individuals affected with CABP4-related conditions. This variant is present in population databases (no rsID available, gnomAD 0.003%). This sequence change replaces proline, which is neutral and non-polar, with leucine, which is neutral and non-polar, at codon 80 of the CABP4 protein (p.Pro80Leu).